The following is an entry in ClinVar:

ClinVar aggregate classification (germline): Uncertain significance. Review status: criteria provided, single submitter (1 of 4 stars). 2 submissions from 2 submitters: Uncertain significance (1). 1 of the submissions does not count toward it. Last evaluated 2019-09-05.

Conditions:
ACO2-related disorder. Also called: ACO2-Related Disorders.

Submissions (2):

Blueprint Genetics
Classification: Uncertain significance. Last evaluated: 2019-09-05. Review status: criteria provided, single submitter. Criteria: ACMG Guidelines, 2015. Collection method: clinical testing. Allele origin: germline.

PreventionGenetics, part of Exact Sciences
Classification: Uncertain significance for ACO2-related condition. Last evaluated: 2024-02-29. Review status: no assertion criteria provided. Collection method: clinical testing. Allele origin: germline. Not counted in ClinVar's aggregate classification.
Comment: The ACO2 c.2284C>T variant is predicted to result in premature protein termination (p.Gln762*). To our knowledge, this variant has not been reported in the literature or in a large population database, indicating this variant is rare. This variant is located in the last exon, and therefore may or may not undergo nonsense-mediated decay. Although we suspect that this variant may be pathogenic, at this time, the clinical significance of this variant is uncertain due to the absence of conclusive functional and genetic evidence.

NM_001098.3(ACO2):c.2284C>T (p.Gln762Ter)

Genes: ACO2 (aconitase 2; plus strand), POLR3H (RNA polymerase III subunit H; minus strand). Cytogenetic location: 22q13.2.
Variant type: single nucleotide variant.
Coding change: c.2284C>T on transcript NM_001098.3 (MANE Select); coding-DNA position 2284, C replaced by T.
Protein change: p.Gln762Ter; replaces glutamine 762 with a stop codon.
Molecular consequence: nonsense. On other transcripts: 3 prime UTR variant (5).
Genome position (GRCh38, 1-based): chr22:41,528,554, C>T. VCF-style: chr22-41528554-C-T. GRCh37 (hg19) VCF-style: chr22-41924558-C-T.
Other names: c.*729G>A (NM_001018050.4, NM_001018052.4, NM_001282884.2 and 2 more transcripts); short protein forms Q762*.
Identifiers: ClinVar variation 3061339 (VCV003061339.3), dbSNP rs2518246604, ClinGen allele CA411729683.
Genomic context (GRCh38, chr22:41,528,554, plus strand): 5'-ATCAAGCACCCCAACGGGACCCAGGAGACCATCCTCCTGAACCACACCTTCAACGAGACG[C>T]AGATTGAGTGGTTCCGCGCTGGCAGTGCCCTCAACAGAATGAAGGAACTGCAACAGTGAG-3'